The following is an entry in ClinVar:

ClinVar aggregate classification (germline): Likely benign. Review status: criteria provided, multiple submitters, no conflicts (2 of 4 stars). 2 submissions from 2 submitters: Likely benign (2). Last evaluated 2026-02-17.

Conditions:
PCDH15-related disorder. Also called: PCDH15-related condition; PCDH15-related disorders.

Allele frequency attached by ClinVar (database versions not stated): TOPMed below 0.00001; gnomAD exomes 0.00001.
gnomAD v4.1: 4 of 1,613,488 alleles (0.00025%); highest among the groups gnomAD compares: Non-Finnish European, 0.00034%; no homozygotes.

Submissions (2):

PreventionGenetics, part of Exact Sciences
Classification: Likely benign for PCDH15-related condition. Last evaluated: 2026-02-17. Review status: criteria provided, single submitter. Criteria: ACMG Guidelines, 2015. Collection method: clinical testing. Allele origin: germline.
Comment: This variant is classified as likely benign based on ACMG/AMP sequence variant interpretation guidelines (Richards et al. 2015 PMID: 25741868, with internal and published modifications).

Labcorp Genetics (formerly Invitae), Labcorp
Classification: Likely benign. Last evaluated: 2025-02-06. Review status: criteria provided, single submitter. Criteria: Invitae Variant Classification Sherloc (09022015). Collection method: clinical testing. Allele origin: germline.

NM_001384140.1(PCDH15):c.2526+9G>A

Gene: PCDH15 (protocadherin related 15; minus strand). Cytogenetic location: 10q21.1.
Variant type: single nucleotide variant.
Coding change: c.2526+9G>A on transcript NM_001384140.1 (MANE Select); 9 bases into the intron after coding-DNA position 2526, G replaced by A.
Molecular consequence: intron variant.
Genome position (GRCh38, 1-based): chr10:54,022,883, C>T on the plus strand (G>A on the coding strand, the complement: PCDH15 is on the minus strand). VCF-style: chr10-54022883-C-T. GRCh37 (hg19) VCF-style: chr10-55782643-C-T.
Other names: c.2541+9G>A (NM_001142771.2, NM_001142763.2); c.2526+9G>A (NM_001142770.3, NM_001142766.2, NM_033056.4 and 5 more transcripts); c.2547+9G>A (NM_001354411.2); c.2562+9G>A (NM_001142769.3); c.2460+9G>A (NM_001354404.2, NM_001142773.2, NM_001142768.2); c.2415+9G>A (NM_001142767.2); c.2313+9G>A (NM_001142765.2).
Identifiers: ClinVar variation 1585513 (VCV001585513.9), dbSNP rs1415249620, ClinGen allele CA593501466.
Genomic context (GRCh38, chr10:54,022,883, plus strand): 5'-TGGCACACAAACCCTAATAGCAAATCTCCTAATGTAGGATTCATGTAATAAATGCTTTTT[C>T]CCACACACCTCTATTTGAAGGATGGTAGTCCCAGCTGGCAAATTCTCTTCAACAAGGACA-3'